The following is an entry in ClinVar:

ClinVar aggregate classification (germline): Likely benign (1 of 4 stars; one submission).

Submission:

GeneDx
Classification: Likely benign. Last evaluated: 2018-11-12. Review status: criteria provided, single submitter. Criteria: GeneDx Variant Classification Process June 2021. Collection method: clinical testing. Allele origin: germline. Affected: yes.
Comment: See Variant Classification Assertion Criteria.

NM_030667.3(PTPRO):c.2437+43AT[7]

Gene: PTPRO (protein tyrosine phosphatase receptor type O; plus strand). Cytogenetic location: 12p12.3.
Variant type: Microsatellite.
Coding change: c.2437+43AT[7] on transcript NM_030667.3 (MANE Select); seven copies in a row of the 2-base unit AT starting at c.2437+43; the reference has eight copies in a row; one copy, 2 bases deleted.
Molecular consequence: intron variant.
Genome position (GRCh38, 1-based): chr12:15,549,283-15,549,284, AT deleted; deleting any 2 consecutive bases within chr12:15,549,269-15,549,284 gives the same sequence; the position shown is the placement nearest the transcript's 3' end. VCF-style (leftmost placement, unchanged base first): chr12-15549268-AAT-A. GRCh37 (hg19) VCF-style: chr12-15702202-AAT-A.
Other names: c.2437+43AT[7] (NM_002848.4); c.4+43AT[7] (NM_030671.3, NM_030669.3, NM_030670.3 and 1 more transcripts).
Identifiers: ClinVar variation 2571816 (VCV002571816.1), dbSNP rs10541885, ClinGen allele CA6466834.